The following is an entry in ClinVar:

NM_001379210.1(SLC25A26):c.634-3C>A

Gene: SLC25A26 (solute carrier family 25 member 26; plus strand). Cytogenetic location: 3p14.1.
Variant type: single nucleotide variant.
Coding change: c.634-3C>A on transcript NM_001379210.1 (MANE Select); 3 bases into the intron before coding-DNA position 634, C replaced by A.
Molecular consequence: intron variant.
Genome position (GRCh38, 1-based): chr3:66,370,526, C>A. VCF-style: chr3-66370526-C-A. GRCh37 (hg19) VCF-style: chr3-66420950-C-A.
Other names: c.634-3C>A (NM_173471.4, NM_001400705.1); c.370-3C>A (NM_001350993.1, NM_001164796.1, NM_001400711.1 and 1 more transcripts); c.589-3C>A (NM_001400707.1); c.325-3C>A (NM_001400714.1).
Identifiers: ClinVar variation 2230912 (VCV002230912.2), dbSNP rs781082251, ClinGen allele CA2483825.

ClinVar aggregate classification (germline): Uncertain significance (1 of 4 stars; one submission).

Conditions:
Inborn genetic diseases. Identifiers: MedGen C0950123, MeSH D030342.

Allele frequency attached by ClinVar (database versions not stated): gnomAD 0.00001; ExAC 0.00002; TOPMed 0.00002; gnomAD exomes 0.00003.
gnomAD v4.1: 47 of 1,613,320 alleles (0.0029%); highest among the groups gnomAD compares: Middle Eastern, 0.016%; no homozygotes.

Submission:

Ambry Genetics
Classification: Uncertain significance for Inborn genetic diseases. Last evaluated: 2021-06-07. Review status: criteria provided, single submitter. Criteria: Ambry Variant Classification Scheme 2023. Collection method: clinical testing. Allele origin: germline.
Comment: The c.634-3C>A intronic alteration consists of a C to A substitution 3 nucleotides before exon 10 (coding exon 9) of the SLC25A26 gene. Based on insufficient or conflicting evidence, the clinical significance of this alteration remains unclear.